The following is an entry in ClinVar:

ClinVar aggregate classification (germline): Uncertain significance. Review status: criteria provided, multiple submitters, no conflicts (2 of 4 stars). 2 submissions from 2 submitters: Uncertain significance (2). Last evaluated 2025-06-03.

Allele frequency attached by ClinVar (database versions not stated): gnomAD exomes below 0.00001; TOPMed 0.00001.
gnomAD v4.1: 1 of 1,614,200 alleles (0.000062%); highest among the groups gnomAD compares: Non-Finnish European, 0.000085%; no homozygotes.

Submissions (2):

GeneDx
Classification: Uncertain significance. Last evaluated: 2025-06-03. Review status: criteria provided, single submitter. Criteria: GeneDx Variant Classification Process June 2021. Collection method: clinical testing. Allele origin: germline. Affected: yes.
Comment: Not observed at significant frequency in large population cohorts (gnomAD); In silico analysis suggests that this missense variant does not alter protein structure/function; Has not been previously published as pathogenic or benign to our knowledge

Labcorp Genetics (formerly Invitae), Labcorp
Classification: Uncertain significance. Last evaluated: 2021-11-06. Review status: criteria provided, single submitter. Criteria: Invitae Variant Classification Sherloc (09022015). Collection method: clinical testing. Allele origin: germline.
Comment: This sequence change replaces tyrosine, which is neutral and polar, with histidine, which is basic and polar, at codon 2485 of the LRP2 protein (p.Tyr2485His). This variant is present in population databases (no rsID available, gnomAD 0.0009%). This variant has not been reported in the literature in individuals affected with LRP2-related conditions. Algorithms developed to predict the effect of missense changes on protein structure and function are either unavailable or do not agree on the potential impact of this missense change (SIFT: "Tolerated"; PolyPhen-2: "Probably Damaging"; Align-GVGD: "Class C0"). In summary, the available evidence is currently insufficient to determine the role of this variant in disease. Therefore, it has been classified as a Variant of Uncertain Significance.

NM_004525.3(LRP2):c.7453T>C (p.Tyr2485His)

Gene: LRP2 (LDL receptor related protein 2; minus strand). Cytogenetic location: 2q31.1.
Variant type: single nucleotide variant.
Coding change: c.7453T>C on transcript NM_004525.3 (MANE Select); coding-DNA position 7453, T replaced by C.
Protein change: p.Tyr2485His; replaces tyrosine 2485 with histidine.
Molecular consequence: missense variant.
Genome position (GRCh38, 1-based): chr2:169,206,126, A>G on the plus strand (T>C on the coding strand, the complement: LRP2 is on the minus strand). VCF-style: chr2-169206126-A-G. GRCh37 (hg19) VCF-style: chr2-170062636-A-G.
Other names: c.7453T>C (NM_004525.2); short protein forms Y2485H.
Identifiers: ClinVar variation 1482447 (VCV001482447.4), dbSNP rs1450708186, ClinGen allele CA349170324.